The following is an entry in ClinVar:

ClinVar aggregate classification (germline): Uncertain significance (1 of 4 stars; one submission).

Conditions:
Familial thoracic aortic aneurysm and aortic dissection (TAAD). Also called: Thoracic aortic aneurysms and dissections. Identifiers: Orphanet 91387, MedGen C4707243, MONDO:0019625.

Submission:

All of Us Research Program, National Institutes of Health
Classification: Uncertain significance for Familial thoracic aortic aneurysm and aortic dissection. Last evaluated: 2023-09-17. Review status: criteria provided, single submitter. Criteria: ACMG Guidelines, 2015. Collection method: clinical testing. Allele origin: germline. Inheritance: Autosomal dominant inheritance. Observed: 1 variant allele, 1 heterozygote.
Comment: This missense variant replaces leucine with valine at codon 1271 of the MYH11 protein. Computational prediction suggests that this variant may not impact protein structure and function (internally defined REVEL score threshold <= 0.5, PMID: 27666373). To our knowledge, functional studies have not been reported for this variant. This variant has not been reported in individuals affected with MYH11-related disorders in the literature. This variant has not been identified in the general population by the Genome Aggregation Database (gnomAD). The available evidence is insufficient to determine the role of this variant in disease conclusively. Therefore, this variant is classified as a Variant of Uncertain Significance.

This study involves interpretation of variants in research participants for the purpose of population health screening. Participant phenotype was not available at the time of variant classification. Additional details can be found in publication PMID: 35346344, PMCID: PMC8962531

NM_002474.3(MYH11):c.3790C>G (p.Leu1264Val)

Gene: MYH11 (myosin heavy chain 11; minus strand). Cytogenetic location: 16p13.11.
Variant type: single nucleotide variant.
Coding change: c.3790C>G on transcript NM_002474.3 (MANE Select); coding-DNA position 3790, C replaced by G.
Protein change: p.Leu1264Val; replaces leucine 1264 with valine.
Molecular consequence: missense variant.
Genome position (GRCh38, 1-based): chr16:15,726,916, G>C on the plus strand (C>G on the coding strand, the complement: MYH11 is on the minus strand). VCF-style: chr16-15726916-G-C. GRCh37 (hg19) VCF-style: chr16-15820773-G-C.
Other names: c.3811C>G, p.Leu1271Val (NM_001040113.2, NM_001040114.2); c.3790C>G, p.Leu1264Val (NM_022844.3); short protein forms L1264V, L1271V.
Identifiers: ClinVar variation 3073440 (VCV003073440.1), dbSNP rs774716913, ClinGen allele CA394860057.